The following is an entry in ClinVar:

NM_015046.7(SETX):c.5612del (p.Asn1870_Leu1871insTer)

Gene: SETX (senataxin; minus strand). Cytogenetic location: 9q34.13.
Variant type: Deletion.
Coding change: c.5612del on transcript NM_015046.7 (MANE Select); coding-DNA position 5612, one base deleted (T; older notation c.5612delT).
Protein change: p.Asn1870_Leu1871insTer.
Molecular consequence: nonsense.
Genome position (GRCh38, 1-based): chr9:132,298,249, A deleted on the plus strand (T on the coding strand, the reverse complement: SETX is on the minus strand); the first of 3 consecutive A bases (chr9:132,298,249-132,298,251); deleting any one gives the same sequence. VCF-style (leftmost placement, unchanged base first): chr9-132298248-TA-T. GRCh37 (hg19) VCF-style: chr9-135173635-TA-T.
Other names: c.5612del, p.Asn1870_Leu1871insTer (NM_001351527.2, NM_001351528.2).
Identifiers: ClinVar variation 4884277 (VCV004884277.2).

ClinVar aggregate classification (germline): Likely pathogenic (1 of 4 stars; one submission).

Submission:

Dasa
Classification: Likely pathogenic. Last evaluated: 2025-01-02. Review status: criteria provided, single submitter. Criteria: DASA Assertion Criteria. Collection method: clinical testing. Allele origin: germline.
Comment: NM_015046.7(SETX):c.5612del (p.Leu1871*) is a frameshift variant in SETX predicted to alter the reading frame and introduce a premature termination codon and is predicted to result in an absent or altered protein product. Loss of function is an established disease mechanism for SETX-associated disorders. Also, this variant is absent from population databases. Based on the currently available evidence, this variant is classified as likely pathogenic.